The following is an entry in ClinVar:

ClinVar aggregate classification (germline): Uncertain significance. Review status: criteria provided, multiple submitters, no conflicts (2 of 4 stars). 2 submissions from 2 submitters: Uncertain significance (2). Last evaluated 2023-07-17.

Conditions:
Hereditary acrodermatitis enteropathica (AEZ). Also called: Acrodermatitis enteropathica. Identifiers: Orphanet 37, MedGen C0221036, MONDO:0008713, OMIM 201100.

Allele frequency attached by ClinVar (database versions not stated): gnomAD exomes below 0.00001; TOPMed 0.00001.

Submissions (2):

Victorian Clinical Genetics Services, Murdoch Childrens Research Institute
Classification: Uncertain significance for Hereditary acrodermatitis enteropathica. Last evaluated: 2023-07-17. Review status: criteria provided, single submitter. Criteria: ACMG Guidelines, 2015. Collection method: clinical testing. Allele origin: germline. Inheritance: Autosomal recessive inheritance. Affected: yes.
Comment: Based on the classification scheme VCGS_Germline_v1.3.4, this variant is classified as VUS-3A. Following criteria are met: 0102 - Loss of function is a known mechanism of disease in this gene and is associated with acrodermatitis enteropathica (MIM#201100). (I) 0106 - This gene is associated with autosomal recessive disease. (I) 0200 - Variant is predicted to result in a missense amino acid change from glycine to arginine. (I) 0251 - This variant is heterozygous. (I) 0304 - Variant is present in gnomAD <0.01 for a recessive condition (v2: 1 heterozygote,0 homozygotes). (SP) 0309 - An alternative amino acid change at the same position has been observed in gnomAD (v3: 1 heterozygote, 0 homozygotes). (I) 0501 - Missense variant consistently predicted to be damaging by multiple in silico tools or highly conserved with a major amino acid change. (SP) 0600 - Variant is located in the annotated Zip domain (DECIPHER). (I) 0705 - No comparable missense variants have previous evidence for pathogenicity. (I) 0803 - This variant has limited previous evidence of pathogenicity in an unrelated individual. It has been reported in a homozygous individual with acrodermatitis enteropathica (Meftah et al 2022). (SP) 0905 - No published segregation evidence has been identified for this variant. (I) 1007 - No published functional evidence has been identified for this variant. (I) 1101 - Very strong and specific phenotype match for this individual. (SP) 1208 - Inheritance information for this variant is not currently available in this individual. (I) Legend: (SP) - Supporting pathogenic, (I) - Information, (SB) - Supporting benign

Illumina Laboratory Services, Illumina
Classification: Uncertain significance for Hereditary acrodermatitis enteropathica. Last evaluated: 2017-04-27. Review status: criteria provided, single submitter. Criteria: ICSL Variant Classification Criteria 13 December 2019. Collection method: clinical testing. Allele origin: germline.

NM_130849.4(SLC39A4):c.1225G>C (p.Gly409Arg)

Gene: SLC39A4 (solute carrier family 39 member 4; minus strand). Cytogenetic location: 8q24.3.
Variant type: single nucleotide variant.
Coding change: c.1225G>C on transcript NM_130849.4 (MANE Select); coding-DNA position 1225, G replaced by C.
Protein change: p.Gly409Arg; replaces glycine 409 with arginine.
Molecular consequence: missense variant.
Genome position (GRCh38, 1-based): chr8:144,414,020, C>G on the plus strand (G>C on the coding strand, the complement: SLC39A4 is on the minus strand). VCF-style: chr8-144414020-C-G. GRCh37 (hg19) VCF-style: chr8-145639404-C-G.
Other names: c.943G>C, p.Gly315Arg (NM_001374839.1); c.1150G>C, p.Gly384Arg (NM_017767.3); short protein forms G409R, G315R, G384R.
Identifiers: ClinVar variation 910707 (VCV000910707.5), dbSNP rs1554872800, ClinGen allele CA372619857.